The following is an entry in ClinVar:

NM_053013.4(ENO3):c.1068-1G>T

Gene: ENO3 (enolase 3; plus strand). Cytogenetic location: 17p13.2.
Variant type: single nucleotide variant.
Coding change: c.1068-1G>T on transcript NM_053013.4 (MANE Select); the canonical splice acceptor site of the intron before coding-DNA position 1068, G replaced by T.
Molecular consequence: splice acceptor variant.
Genome position (GRCh38, 1-based): chr17:4,956,572, G>T. VCF-style: chr17-4956572-G-T. GRCh37 (hg19) VCF-style: chr17-4859867-G-T.
Other names: c.1095-1G>T (NM_001374524.1); c.1068-1G>T (NM_001976.5, NM_001374523.1); c.939-1G>T (NM_001193503.2).
Identifiers: ClinVar variation 3615451 (VCV003615451.2).

ClinVar aggregate classification (germline): Uncertain significance (1 of 4 stars; one submission).

Conditions:
Glycogen storage disease due to muscle beta-enolase deficiency (GSD13). Also called: ENOLASE 3 DEFICIENCY; ENOLASE-BETA DEFICIENCY; GSD XIII; Glycogen Storage Disease Type XIII. Identifiers: Orphanet 99849, MedGen C2752027, MONDO:0013046, OMIM 612932.

gnomAD v4.1: 41 of 1,614,174 alleles (0.0025%); highest among the groups gnomAD compares: Non-Finnish European, 0.0031%; no homozygotes.

Submission:

Labcorp Genetics (formerly Invitae), Labcorp
Classification: Uncertain significance for Glycogen storage disease due to muscle beta-enolase deficiency. Last evaluated: 2024-11-13. Review status: criteria provided, single submitter. Criteria: Invitae Variant Classification Sherloc (09022015). Collection method: clinical testing. Allele origin: germline.
Comment: This sequence change affects an acceptor splice site in intron 9 of the ENO3 gene. It is expected to disrupt RNA splicing. Variants that disrupt the donor or acceptor splice site typically lead to a loss of protein function (PMID: 16199547), however the current clinical and genetic evidence is not sufficient to establish whether loss-of-function variants in ENO3 cause disease. This variant is present in population databases (rs371648627, gnomAD 0.002%). This variant has not been reported in the literature in individuals affected with ENO3-related conditions. Algorithms developed to predict the effect of sequence changes on RNA splicing suggest that this variant may disrupt the consensus splice site. In summary, the available evidence is currently insufficient to determine the role of this variant in disease. Therefore, it has been classified as a Variant of Uncertain Significance.

Literature cited by the submitters: PubMed 16199547.